The following is an entry in ClinVar:

ClinVar aggregate classification (germline): Uncertain significance (0 of 4 stars; one submission).

Conditions:
FHOD3-related disorder. Also called: FHOD3-related condition.

Allele frequency attached by ClinVar (database versions not stated): gnomAD 0.00001.
gnomAD v4.1: 2 of 1,534,894 alleles (0.00013%); no homozygotes.

Submission:

PreventionGenetics, part of Exact Sciences
Classification: Uncertain significance for FHOD3-related condition. Last evaluated: 2024-02-01. Review status: no assertion criteria provided. Collection method: clinical testing. Allele origin: germline.
Comment: The FHOD3 c.1659T>C variant is not predicted to result in an amino acid change (p.=). This variant is predicted to impact splicing (SpliceAI, Jaganathan et al. 2019. PubMed ID: 30661751). To our knowledge, this variant has not been reported in the literature or in a large population database, indicating this variant is rare. At this time, the clinical significance of this variant is uncertain due to the absence of conclusive functional and genetic evidence.

NM_001281740.3(FHOD3):c.1659T>C (p.Ser553=)

Gene: FHOD3 (formin homology 2 domain containing 3; plus strand). Cytogenetic location: 18q12.2.
Variant type: single nucleotide variant.
Coding change: c.1659T>C on transcript NM_001281740.3 (MANE Select); coding-DNA position 1659, T replaced by C.
Protein change: p.Ser553=; no amino-acid change (serine 553 retained).
Molecular consequence: synonymous variant. On other transcripts: intron variant (2).
Genome position (GRCh38, 1-based): chr18:36,653,354, T>C. VCF-style: chr18-36653354-T-C. GRCh37 (hg19) VCF-style: chr18-34233317-T-C.
Other names: c.1197-4721T>C (NM_025135.5, NM_001281739.3).
Identifiers: ClinVar variation 3061397 (VCV003061397.2), dbSNP rs1310232237, ClinGen allele CA989258744.
Genomic context (GRCh38, chr18:36,653,354, plus strand): 5'-GCTATCTTTCCGTGCCACATTGTGAGCGGGCTTTTCTTCCTTTGACAGTTCCTCTGATTC[T>C]TTCTCTTTGAGCACATATTCTGCCTCTGAGCCTTACCACTTCCGATCTTTCTCTTCTAAT-3'
Protein context (NP_001268669.1, residues 543-563): ESQKENSSSD[Ser553=]FSLSTYSASE